The following is an entry in ClinVar:

ClinVar aggregate classification (germline): Benign/Likely benign. Review status: criteria provided, multiple submitters, no conflicts (2 of 4 stars). 9 submissions from 9 submitters: Benign (8); Likely benign (1). Last evaluated 2026-03-30.

Conditions:
Autoinflammatory syndrome. Identifiers: Orphanet 93665, MedGen C3890737, MONDO:0019751.
Pyogenic arthritis-pyoderma gangrenosum-acne syndrome (PAPA). Also called: PAPA SYNDROME; FAMILIAL RECURRENT ARTHRITIS. Identifiers: Orphanet 69126, MedGen C1858361, MONDO:0011462, OMIM 604416.

Allele frequency attached by ClinVar (database versions not stated): gnomAD 0.00839 and 0.00891; TOPMed 0.00901; gnomAD exomes 0.00083 and 0.00194; ExAC 0.00436; ESP Exome Variant Server 0.00763; 1000 Genomes Project 0.00938; 1000 Genomes Project 30x 0.00968.
gnomAD v4.1: 2,516 of 1,569,356 alleles (0.16%); highest among the groups gnomAD compares: African/African-American, 2.9%; 32 homozygotes.

Submissions (9):

Women's Health and Genetics/Laboratory Corporation of America, LabCorp
Classification: Benign. Last evaluated: 2026-03-30. Review status: criteria provided, single submitter. Criteria: LabCorp Variant Classification Summary - May 2015. Collection method: clinical testing. Allele origin: germline.

Labcorp Genetics (formerly Invitae), Labcorp
Classification: Benign for Pyogenic arthritis-pyoderma gangrenosum-acne syndrome. Last evaluated: 2026-01-26. Review status: criteria provided, single submitter. Criteria: Invitae Variant Classification Sherloc (09022015). Collection method: clinical testing. Allele origin: germline.

ARUP Laboratories, Molecular Genetics and Genomics, ARUP Laboratories
Classification: Benign. Last evaluated: 2025-05-05. Review status: criteria provided, single submitter. Criteria: ARUP Molecular Germline Variant Investigation Process 2024. Collection method: clinical testing. Allele origin: germline.

Mayo Clinic Laboratories, Mayo Clinic
Classification: Benign. Last evaluated: 2022-05-11. Review status: criteria provided, single submitter. Criteria: ACMG Guidelines, 2015. Collection method: clinical testing. Allele origin: germline. Observed: 4 variant alleles.
Comment: BS1, BS2, BP4, BP7

Fulgent Genetics
Classification: Likely benign for Pyogenic arthritis-pyoderma gangrenosum-acne syndrome. Last evaluated: 2021-10-08. Review status: criteria provided, single submitter. Criteria: ACMG Guidelines, 2015. Collection method: clinical testing. Allele origin: unknown.

Genome Diagnostics Laboratory, The Hospital for Sick Children
Classification: Benign for Autoinflammatory syndrome. Last evaluated: 2021-01-28. Review status: criteria provided, single submitter. Criteria: ACMG Guidelines, 2015. Collection method: clinical testing. Allele origin: germline. Affected: yes.

Illumina Laboratory Services, Illumina
Classification: Benign for Pyogenic arthritis-pyoderma gangrenosum-acne syndrome. Last evaluated: 2018-01-13. Review status: criteria provided, single submitter. Criteria: ICSL Variant Classification Criteria 13 December 2019. Collection method: clinical testing. Allele origin: germline.
Comment: This variant was observed in the ICSL laboratory as part of a predisposition screen in an ostensibly healthy population. It had not been previously curated by ICSL or reported in the Human Gene Mutation Database (HGMD: prior to June 1st, 2018), and was therefore a candidate for classification through an automated scoring system. Utilizing variant allele frequency, disease prevalence and penetrance estimates, and inheritance mode, an automated score was calculated to assess if this variant is too frequent to cause the disease. Based on the score and internal cut-off values, a variant classified as benign is not then subjected to further curation. The score for this variant resulted in a classification of benign for this disease.

GeneDx
Classification: Benign. Last evaluated: 2011-11-21. Review status: criteria provided, single submitter. Criteria: GeneDx Variant Classification (06012015). Collection method: clinical testing. Allele origin: germline. Affected: yes.
Comment: This variant is considered likely benign or benign based on one or more of the following criteria: it is a conservative change, it occurs at a poorly conserved position in the protein, it is predicted to be benign by multiple in silico algorithms, and/or has population frequency not consistent with disease.

Breakthrough Genomics
Classification: Benign. Review status: criteria provided, single submitter. Criteria: ACMG Guidelines, 2015. Collection method: not provided. Allele origin: germline. Inheritance: Autosomal dominant inheritance. Affected: yes.

NM_003978.5(PSTPIP1):c.204G>A (p.Thr68=)

Gene: PSTPIP1 (proline-serine-threonine phosphatase interacting protein 1; plus strand). Cytogenetic location: 15q24.3.
Variant type: single nucleotide variant.
Coding change: c.204G>A on transcript NM_003978.5 (MANE Select); coding-DNA position 204, G replaced by A.
Protein change: p.Thr68=; no amino-acid change (threonine 68 retained).
Molecular consequence: synonymous variant. On other transcripts: non-coding transcript variant (1).
Genome position (GRCh38, 1-based): chr15:77,018,523, G>A. VCF-style: chr15-77018523-G-A. GRCh37 (hg19) VCF-style: chr15-77310864-G-A.
Other names: p.T68T:ACG>ACA; p.Thr68=; c.204G>A, p.Thr68= (NM_001321135.2); c.177G>A, p.Thr59= (NM_001321136.2); c.399G>A, p.Thr133= (NM_001321137.1).
Identifiers: ClinVar variation 138818 (VCV000138818.31), dbSNP rs113386299, ClinGen allele CA292926.